The following is an entry in ClinVar:

ClinVar aggregate classification (germline): Uncertain significance. Review status: criteria provided, multiple submitters, no conflicts (2 of 4 stars). 2 submissions from 2 submitters: Uncertain significance (2). Last evaluated 2024-04-14.

Conditions:
Long QT syndrome (LQTS). Identifiers: MedGen C0023976, MeSH D008133, MONDO:0002442. Disease mechanism: loss of function. Inheritance: Various modes of inheritance.
Cardiovascular phenotype. Identifiers: MedGen CN230736.

Allele frequency attached by ClinVar (database versions not stated): ExAC 0.00001; gnomAD 0.00003; gnomAD exomes 0.00006; ESP Exome Variant Server 0.00008.
gnomAD v4.1: 89 of 1,613,994 alleles (0.0055%); highest among the groups gnomAD compares: Non-Finnish European, 0.0073%; no homozygotes.

Submissions (2):

Ambry Genetics
Classification: Uncertain significance for Cardiovascular phenotype. Last evaluated: 2024-04-14. Review status: criteria provided, single submitter. Criteria: Ambry Variant Classification Scheme 2023. Collection method: clinical testing. Allele origin: germline.
Comment: The p.K116E variant (also known as c.346A>G), located in coding exon 2 of the SNTA1 gene, results from an A to G substitution at nucleotide position 346. The lysine at codon 116 is replaced by glutamic acid, an amino acid with similar properties. This amino acid position is highly conserved in available vertebrate species. In addition, the in silico prediction for this alteration is inconclusive. Since supporting evidence is limited at this time, the clinical significance of this alteration remains unclear.

Labcorp Genetics (formerly Invitae), Labcorp
Classification: Uncertain significance for Long QT syndrome. Last evaluated: 2023-03-01. Review status: criteria provided, single submitter. Criteria: Invitae Variant Classification Sherloc (09022015). Collection method: clinical testing. Allele origin: germline.
Comment: ClinVar contains an entry for this variant (Variation ID: 1731712). This variant has not been reported in the literature in individuals affected with SNTA1-related conditions. This variant is present in population databases (rs370893672, gnomAD 0.004%). This sequence change replaces lysine, which is basic and polar, with glutamic acid, which is acidic and polar, at codon 116 of the SNTA1 protein (p.Lys116Glu). Advanced modeling of protein sequence and biophysical properties (such as structural, functional, and spatial information, amino acid conservation, physicochemical variation, residue mobility, and thermodynamic stability) performed at Invitae indicates that this missense variant is expected to disrupt SNTA1 protein function. In summary, the available evidence is currently insufficient to determine the role of this variant in disease. Therefore, it has been classified as a Variant of Uncertain Significance.

Literature cited by the submitters: PubMed 24014171 (cited by Ambry Genetics).

NM_003098.3(SNTA1):c.346A>G (p.Lys116Glu)

Gene: SNTA1 (syntrophin alpha 1; minus strand). Cytogenetic location: 20q11.21.
Variant type: single nucleotide variant.
Coding change: c.346A>G on transcript NM_003098.3 (MANE Select); coding-DNA position 346, A replaced by G.
Protein change: p.Lys116Glu; replaces lysine 116 with glutamic acid.
Molecular consequence: missense variant.
Genome position (GRCh38, 1-based): chr20:33,438,991, T>C on the plus strand (A>G on the coding strand, the complement: SNTA1 is on the minus strand). VCF-style: chr20-33438991-T-C. GRCh37 (hg19) VCF-style: chr20-32026797-T-C.
Other names: short protein forms K116E.
Identifiers: ClinVar variation 1731712 (VCV001731712.6), dbSNP rs370893672, ClinGen allele CA9817236.
Genomic context (GRCh38, chr20:33,438,991, plus strand): 5'-GGATGGCATCCCCCACAAAAAGGGCCTCTGTCTGGTCAGCTGCCAATCCCTTGAAGATCT[T>C]GGAAATGAGAATAGGCATCTTGTTCTCCCGGCCGCCTGCACAGGTACAGAAGGAGGACAA-3'
Protein context (NP_003089.1, residues 106-126): RENKMPILIS[Lys116Glu]IFKGLAADQT